The following is an entry in ClinVar:

NM_001458.5(FLNC):c.2587C>G (p.Pro863Ala)

Gene: FLNC (filamin C; plus strand). Cytogenetic location: 7q32.1.
Variant type: single nucleotide variant.
Coding change: c.2587C>G on transcript NM_001458.5 (MANE Select); coding-DNA position 2587, C replaced by G.
Protein change: p.Pro863Ala; replaces proline 863 with alanine.
Molecular consequence: missense variant.
Genome position (GRCh38, 1-based): chr7:128,843,265, C>G. VCF-style: chr7-128843265-C-G. GRCh37 (hg19) VCF-style: chr7-128483319-C-G.
Other names: c.2587C>G, p.Pro863Ala (NM_001127487.2); short protein forms P863A.
Identifiers: ClinVar variation 655335 (VCV000655335.12), dbSNP rs754750752, ClinGen allele CA4474786.

ClinVar aggregate classification (germline): Conflicting classifications of pathogenicity. Review status: criteria provided, conflicting classifications (1 of 4 stars). 3 submissions from 3 submitters: Uncertain significance (1); Likely benign (1). 1 of the submissions does not count toward it. Last evaluated 2025-11-27.

Conditions:
Distal myopathy with posterior leg and anterior hand involvement. Also called: WILLIAMS DISTAL MYOPATHY. Identifiers: Orphanet 63273, MedGen C3279722, MONDO:0013550, OMIM 614065.
Myofibrillar myopathy 5. Also called: Filaminopathy (type); FILAMINOPATHY, AUTOSOMAL DOMINANT. Identifiers: Orphanet 171445, MedGen C1836050, MONDO:0012289, OMIM 609524.
Hypertrophic cardiomyopathy 26. Also called: Cardiomyopathy, familial hypertrophic, 26. Identifiers: Orphanet 75249, MedGen C4310749, MONDO:0014883, OMIM 617047.
FLNC-related disorder. Also called: FLNC-related condition; FLNC-related disorders.
Cardiovascular phenotype. Identifiers: MedGen CN230736.

Allele frequency attached by ClinVar (database versions not stated): gnomAD 0.00001; TOPMed 0.00001; ExAC 0.00003.
gnomAD v4.1: 14 of 1,610,302 alleles (0.00087%); highest among the groups gnomAD compares: South Asian, 0.0022%; no homozygotes.

Submissions (3):

Labcorp Genetics (formerly Invitae), Labcorp
Classification: Likely benign for Distal myopathy with posterior leg and anterior hand involvement; Myofibrillar myopathy 5; Hypertrophic cardiomyopathy 26. Last evaluated: 2025-11-27. Review status: criteria provided, single submitter. Criteria: Invitae Variant Classification Sherloc (09022015). Collection method: clinical testing. Allele origin: germline.

Ambry Genetics
Classification: Uncertain significance for Cardiovascular phenotype. Last evaluated: 2020-11-09. Review status: criteria provided, single submitter. Criteria: Ambry Variant Classification Scheme 2023. Collection method: clinical testing. Allele origin: germline.
Comment: The p.P863A variant (also known as c.2587C>G), located in coding exon 17 of the FLNC gene, results from a C to G substitution at nucleotide position 2587. The proline at codon 863 is replaced by alanine, an amino acid with highly similar properties. This amino acid position is highly conserved in available vertebrate species. In addition, the in silico prediction for this alteration is inconclusive. Since supporting evidence is limited at this time, the clinical significance of this alteration remains unclear.

PreventionGenetics, part of Exact Sciences
Classification: Uncertain significance for FLNC-related condition. Last evaluated: 2024-08-21. Review status: no assertion criteria provided. Collection method: clinical testing. Allele origin: germline. Not counted in ClinVar's aggregate classification.
Comment: The FLNC c.2587C>G variant is predicted to result in the amino acid substitution p.Pro863Ala. To our knowledge, this variant has not been reported in the literature. An alternate substitution at the same amino acid (p.Pro863Ser) was reported in an individual with hypertrophic cardiomyopathy (Cui et al. 2018. PubMed ID: 30411535). This variant is reported in 0.0067% of alleles in individuals of South Asian descent in gnomAD. At this time, the clinical significance of this variant is uncertain due to the absence of conclusive functional and genetic evidence.